The following is an entry in ClinVar:

NM_001048174.2(MUTYH):c.305-18C>T

Gene: MUTYH (mutY DNA glycosylase; minus strand). Cytogenetic location: 1p34.1.
Variant type: single nucleotide variant.
Coding change: c.305-18C>T on transcript NM_001048174.2 (MANE Select); 18 bases into the intron before coding-DNA position 305, C replaced by T.
Molecular consequence: intron variant.
Genome position (GRCh38, 1-based): chr1:45,333,188, G>A on the plus strand (C>T on the coding strand, the complement: MUTYH is on the minus strand). VCF-style: chr1-45333188-G-A. GRCh37 (hg19) VCF-style: chr1-45798860-G-A.
Other names: c.33+97C>T (NM_001350651.2, NM_001350650.2); c.29-18C>T (NM_001293192.2, NM_001293196.2); c.305-18C>T (NM_001048171.2, NM_001048173.2, NM_001293195.2); c.350-18C>T (NM_001293190.2); c.380-18C>T (NM_012222.3); c.389-18C>T (NM_001128425.2); c.308-18C>T (NM_001048172.2); c.338-18C>T (NM_001293191.2).
Identifiers: ClinVar variation 517946 (VCV000517946.8), dbSNP rs1553129716, ClinGen allele CA658795454.

ClinVar aggregate classification (germline): Likely benign. Review status: criteria provided, multiple submitters, no conflicts (2 of 4 stars). 3 submissions from 3 submitters: Likely benign (3). Last evaluated 2022-07-14.

Conditions:
Hereditary cancer-predisposing syndrome. Also called: Tumor predisposition; Hereditary neoplastic syndrome; Neoplastic Syndromes, Hereditary; Hereditary Cancer Syndrome. Identifiers: Orphanet 140162, MedGen C0027672, MeSH D009386, MONDO:0015356.
Familial adenomatous polyposis 2. Also called: MUTYH Polyposis; COLORECTAL ADENOMATOUS POLYPOSIS, AUTOSOMAL RECESSIVE; ADENOMAS, MULTIPLE COLORECTAL, AUTOSOMAL RECESSIVE; MUTYH-associated polyposis; MUTYH-related attenuated familial adenomatous polyposis; Adenomas, multiple colorectal. Identifiers: Orphanet 220460, Orphanet 247798, MedGen C3272841, MONDO:0012041, OMIM 608456.

Submissions (3):

Labcorp Genetics (formerly Invitae), Labcorp
Classification: Likely benign for Familial adenomatous polyposis 2. Last evaluated: 2022-07-14. Review status: criteria provided, single submitter. Criteria: Invitae Variant Classification Sherloc (09022015). Collection method: clinical testing. Allele origin: germline.

Color Diagnostics, LLC DBA Color Health
Classification: Likely benign for Hereditary cancer-predisposing syndrome. Last evaluated: 2019-04-02. Review status: criteria provided, single submitter. Criteria: ACMG Guidelines, 2015. Collection method: clinical testing. Allele origin: germline.

GeneDx
Classification: Likely benign. Last evaluated: 2017-06-09. Review status: criteria provided, single submitter. Criteria: GeneDx Variant Classification (06012015). Collection method: clinical testing. Allele origin: germline. Affected: yes.
Comment: This variant is considered likely benign or benign based on one or more of the following criteria: it is a conservative change, it occurs at a poorly conserved position in the protein, it is predicted to be benign by multiple in silico algorithms, and/or has population frequency not consistent with disease.